The following is an entry in ClinVar:

NM_001282225.2(ADA2):c.1362_1370del (p.Asp454_Tyr456del)

Gene: ADA2 (adenosine deaminase 2; minus strand). Cytogenetic location: 22q11.1.
Variant type: Deletion.
Coding change: c.1362_1370del on transcript NM_001282225.2 (MANE Select); coding-DNA positions 1362 to 1370, 9 bases deleted (TTTCTATGA; older notation c.1362_1370delTTTCTATGA).
Protein change: p.Asp454_Tyr456del.
Molecular consequence: inframe deletion.
Genome position (GRCh38, 1-based): chr22:17,181,892-17,181,900, TCATAGAAA deleted on the plus strand (TTTCTATGA on the coding strand, the reverse complement: ADA2 is on the minus strand); deleting any 9 consecutive bases within chr22:17,181,892-17,181,906 gives the same sequence; the c. name uses the placement nearest the transcript's 3' end. VCF-style (leftmost placement, unchanged base first): chr22-17181891-CTCATAGAAA-C. GRCh37 (hg19) VCF-style: chr22-17662781-CTCATAGAAA-C.
Other names: c.1362_1370del, p.Asp454_Tyr456del (NM_001282226.2); c.1236_1244del, p.Asp412_Tyr414del (NM_001282227.2, NM_001282228.2); c.1002_1010del, p.Asp334_Tyr336del (NM_001282229.2); c.639_647del, p.Asp213_Tyr215del (NM_177405.3).
Identifiers: ClinVar variation 1444154 (VCV001444154.8), dbSNP rs1452477558, ClinGen allele CA512864423.

ClinVar aggregate classification (germline): Pathogenic (1 of 4 stars; one submission).

Conditions:
Deficiency of adenosine deaminase 2. Also called: Polyarteritis nodosa, childhoood-onset; Adenosine Deaminase 2 Deficiency; VASCULITIS, AUTOINFLAMMATION, IMMUNODEFICIENCY, AND HEMATOLOGIC DEFECTS SYNDROME. Identifiers: Orphanet 404553, MedGen C3887654, MONDO:0014306, OMIM 615688, MONDO:0100317.

Submission:

Labcorp Genetics (formerly Invitae), Labcorp
Classification: Pathogenic for Deficiency of adenosine deaminase 2. Last evaluated: 2023-07-17. Review status: criteria provided, single submitter. Criteria: Invitae Variant Classification Sherloc (09022015). Collection method: clinical testing. Allele origin: germline.
Comment: For these reasons, this variant has been classified as Pathogenic. This variant disrupts a region of the ADA2 protein in which other variant(s) (p.Tyr456Cys) have been determined to be pathogenic (PMID: 29600946, 30692987, 34324127; Invitae). This suggests that this is a clinically significant region of the protein, and that variants that disrupt it are likely to be disease-causing. ClinVar contains an entry for this variant (Variation ID: 1444154). This variant has not been reported in the literature in individuals affected with ADA2-related conditions. This variant is not present in population databases (gnomAD no frequency). This variant, c.1362_1370del, results in the deletion of 3 amino acid(s) of the ADA2 protein (p.Asp454_Tyr456del), but otherwise preserves the integrity of the reading frame.

Literature cited by the submitters: PubMed 29600946; PubMed 30692987; PubMed 34324127.